The following is an entry in ClinVar:

ClinVar aggregate classification (germline): Uncertain significance (1 of 4 stars; one submission).

Conditions:
Hereditary sensory and autonomic neuropathy type 7. Also called: HSAN VII; Neuropathy, hereditary sensory and autonomic, type VII. Identifiers: Orphanet 391397, MedGen C3809882, MONDO:0014244, OMIM 615548.
Familial episodic pain syndrome with predominantly lower limb involvement. Also called: Episodic pain syndrome, familial, 3. Identifiers: Orphanet 391384, Orphanet 391392, MedGen C3809899, MONDO:0014247, OMIM 615552.

Submission:

Labcorp Genetics (formerly Invitae), Labcorp
Classification: Uncertain significance for Familial episodic pain syndrome with predominantly lower limb involvement; Hereditary sensory and autonomic neuropathy type 7. Last evaluated: 2020-03-05. Review status: criteria provided, single submitter. Criteria: Invitae Variant Classification Sherloc (09022015). Collection method: clinical testing. Allele origin: germline.
Comment: This sequence change replaces proline with leucine at codon 542 of the SCN11A protein (p.Pro542Leu). The proline residue is highly conserved and there is a moderate physicochemical difference between proline and leucine. This variant is not present in population databases (ExAC no frequency). This variant has not been reported in the literature in individuals with SCN11A-related conditions. Algorithms developed to predict the effect of missense changes on protein structure and function are either unavailable or do not agree on the potential impact of this missense change (SIFT: "Deleterious"; PolyPhen-2: "Possibly Damaging"; Align-GVGD: "Class C0"). In summary, the available evidence is currently insufficient to determine the role of this variant in disease. Therefore, it has been classified as a Variant of Uncertain Significance.

NM_001349253.2(SCN11A):c.1625C>T (p.Pro542Leu)

Gene: SCN11A (sodium voltage-gated channel alpha subunit 11; minus strand). Cytogenetic location: 3p22.2.
Variant type: single nucleotide variant.
Coding change: c.1625C>T on transcript NM_001349253.2 (MANE Select); coding-DNA position 1625, C replaced by T.
Protein change: p.Pro542Leu; replaces proline 542 with leucine.
Molecular consequence: missense variant.
Genome position (GRCh38, 1-based): chr3:38,904,082, G>A on the plus strand (C>T on the coding strand, the complement: SCN11A is on the minus strand). VCF-style: chr3-38904082-G-A. GRCh37 (hg19) VCF-style: chr3-38945573-G-A.
Other names: c.1625C>T, p.Pro542Leu (NM_014139.3); short protein forms P542L.
Identifiers: ClinVar variation 1045394 (VCV001045394.5), dbSNP rs2065750970, ClinGen allele CA352164883.
Genomic context (GRCh38, chr3:38,904,082, plus strand): 5'-TGGGGGCAACAGTTCCACACGAGGTACTTGGATGCCAGGTTTTCTCCACAAGGGAGACAA[G>A]GCTCTTGTGATTTTTCTTGTTCTGGAGGAGAATGAGCGAGAGGTTGAGGAGTTAGCTCTG-3'
Protein context (NP_001336182.1, residues 532-552): TMKEQEKSQE[Pro542Leu]CLPCGENLAS